The following is an entry in ClinVar:

ClinVar aggregate classification (germline): Pathogenic (1 of 4 stars; one submission).

Conditions:
Long QT syndrome (LQTS). Identifiers: MedGen C0023976, MeSH D008133, MONDO:0002442. Disease mechanism: loss of function. Inheritance: Various modes of inheritance.

Submission:

Labcorp Genetics (formerly Invitae), Labcorp
Classification: Pathogenic for Long QT syndrome. Last evaluated: 2024-12-22. Review status: criteria provided, single submitter. Criteria: Invitae Variant Classification Sherloc (09022015). Collection method: clinical testing. Allele origin: germline.
Comment: This sequence change creates a premature translational stop signal (p.Pro846*) in the KCNH2 gene. It is expected to result in an absent or disrupted protein product. Loss-of-function variants in KCNH2 are known to be pathogenic (PMID: 10973849, 19862833). This variant is not present in population databases (gnomAD no frequency). This variant has not been reported in the literature in individuals affected with KCNH2-related conditions. ClinVar contains an entry for this variant (Variation ID: 1439179). For these reasons, this variant has been classified as Pathogenic.

Literature cited by the submitters: PubMed 10973849; PubMed 19862833.

NM_000238.4(KCNH2):c.2536_2537del (p.Tyr845_Pro846insTer)

Gene: KCNH2 (potassium voltage-gated channel subfamily H member 2; minus strand). Cytogenetic location: 7q36.1.
Variant type: Deletion.
Coding change: c.2536_2537del on transcript NM_000238.4 (MANE Select); coding-DNA positions 2536 to 2537, 2 bases deleted (CC; older notation c.2536_2537delCC).
Protein change: p.Tyr845_Pro846insTer.
Molecular consequence: nonsense.
Genome position (GRCh38, 1-based): chr7:150,948,911-150,948,912, GG deleted on the plus strand (CC on the coding strand, the reverse complement: KCNH2 is on the minus strand); deleting any 2 consecutive bases within chr7:150,948,911-150,948,913 gives the same sequence; the c. name uses the placement nearest the transcript's 3' end. VCF-style (leftmost placement, unchanged base first): chr7-150948910-AGG-A. GRCh37 (hg19) VCF-style: chr7-150645998-AGG-A.
Other names: c.1516_1517del, p.Tyr505_Pro506insTer (NM_172057.3).
Identifiers: ClinVar variation 1439179 (VCV001439179.6), dbSNP rs2116940397, ClinGen allele CA2573141855.